The following is an entry in ClinVar:

ClinVar aggregate classification (germline): Pathogenic (1 of 4 stars; one submission).

Conditions:
Jeune thoracic dystrophy. Also called: Short-rib thoracic dysplasia; Jeune syndrome; Infantile thoracic dystrophy; Thoracic pelvic phalangeal dystrophy; Jeune's syndrome; Chondroectodermal dysplasia-like syndrome. Identifiers: Orphanet 474, MedGen C0265275, MONDO:0018770.
Nephronophthisis. Also called: Juvenile Nephronophthisis. Identifiers: Orphanet 655, MedGen C0687120, MONDO:0019005, HP:0000090.

Submission:

Labcorp Genetics (formerly Invitae), Labcorp
Classification: Pathogenic for Jeune thoracic dystrophy; Nephronophthisis. Last evaluated: 2024-10-07. Review status: criteria provided, single submitter. Criteria: Invitae Variant Classification Sherloc (09022015). Collection method: clinical testing. Allele origin: germline.
Comment: This sequence change creates a premature translational stop signal (p.Glu1038*) in the TTC21B gene. It is expected to result in an absent or disrupted protein product. Loss-of-function variants in TTC21B are known to be pathogenic (PMID: 18327258, 21068128, 21258341, 23559409, 24876116, 25492405, 27491411, 29068549). This variant is not present in population databases (gnomAD no frequency). This variant has not been reported in the literature in individuals affected with TTC21B-related conditions. ClinVar contains an entry for this variant (Variation ID: 1417573). For these reasons, this variant has been classified as Pathogenic.

Literature cited by the submitters: PubMed 18327258; PubMed 21068128; PubMed 21258341; PubMed 23559409; PubMed 24876116; PubMed 25492405; PubMed 27491411; PubMed 29068549.

NM_024753.5(TTC21B):c.3112G>T (p.Glu1038Ter)

Gene: TTC21B (tetratricopeptide repeat domain 21B; minus strand). Cytogenetic location: 2q24.3.
Variant type: single nucleotide variant.
Coding change: c.3112G>T on transcript NM_024753.5 (MANE Select); coding-DNA position 3112, G replaced by T.
Protein change: p.Glu1038Ter; replaces glutamic acid 1038 with a stop codon.
Molecular consequence: nonsense.
Genome position (GRCh38, 1-based): chr2:165,890,630, C>A on the plus strand (G>T on the coding strand, the complement: TTC21B is on the minus strand). VCF-style: chr2-165890630-C-A. GRCh37 (hg19) VCF-style: chr2-166747140-C-A.
Other names: short protein forms E1038*.
Identifiers: ClinVar variation 1417573 (VCV001417573.6), dbSNP rs2105291727, ClinGen allele CA349048162.
Genomic context (GRCh38, chr2:165,890,630, plus strand): 5'-TTTGGCCCCAGTCACGATCTTTCCGAGCTTTATTAAAATGTCGAAGGGCATCATTTGGTT[C>A]TCCAGTGTACCTTGTTAGATGTTTAAAAGAATTATTTATTTCAATCACTGACTACAAAAT-3'